The following is an entry in ClinVar:

ClinVar aggregate classification (germline): Uncertain significance. Review status: criteria provided, multiple submitters, no conflicts (2 of 4 stars). 2 submissions from 2 submitters: Uncertain significance (2). Last evaluated 2025-09-06.

Conditions:
Hereditary cancer-predisposing syndrome. Also called: Hereditary Cancer Syndrome; Hereditary neoplastic syndrome; Neoplastic Syndromes, Hereditary; Tumor predisposition. Identifiers: Orphanet 140162, MedGen C0027672, MeSH D009386, MONDO:0015356.
Retinoblastoma (RB1). Also called: RETINOBLASTOMA, SOMATIC. Identifiers: Orphanet 790, MedGen C0035335, MeSH D012175, MONDO:0008380, OMIM 180200, HP:0009919. Disease mechanism: loss of function. Inheritance: Both sporadic and heritable forms are tested..

Submissions (2):

Ambry Genetics
Classification: Uncertain significance for Hereditary cancer-predisposing syndrome. Last evaluated: 2025-09-06. Review status: criteria provided, single submitter. Criteria: Ambry Variant Classification Scheme 2023. Collection method: clinical testing. Allele origin: germline.
Comment: The p.A496V variant (also known as c.1487C>T), located in coding exon 16 of the RB1 gene, results from a C to T substitution at nucleotide position 1487. The alanine at codon 496 is replaced by valine, an amino acid with similar properties. This amino acid position is highly conserved in available vertebrate species. In addition, the in silico prediction for this alteration is inconclusive. Based on the available evidence, the clinical significance of this variant remains unclear.

Labcorp Genetics (formerly Invitae), Labcorp
Classification: Uncertain significance for Retinoblastoma. Last evaluated: 2024-06-11. Review status: criteria provided, single submitter. Criteria: Invitae Variant Classification Sherloc (09022015). Collection method: clinical testing. Allele origin: germline.
Comment: This sequence change replaces alanine, which is neutral and non-polar, with valine, which is neutral and non-polar, at codon 496 of the RB1 protein (p.Ala496Val). This variant is not present in population databases (gnomAD no frequency). This variant has not been reported in the literature in individuals affected with RB1-related conditions. Advanced modeling of protein sequence and biophysical properties (such as structural, functional, and spatial information, amino acid conservation, physicochemical variation, residue mobility, and thermodynamic stability) performed at Invitae indicates that this missense variant is not expected to disrupt RB1 protein function with a negative predictive value of 80%. In summary, the available evidence is currently insufficient to determine the role of this variant in disease. Therefore, it has been classified as a Variant of Uncertain Significance.

NM_000321.3(RB1):c.1487C>T (p.Ala496Val)

Gene: RB1 (RB transcriptional corepressor 1; plus strand). Cytogenetic location: 13q14.2.
Variant type: single nucleotide variant.
Coding change: c.1487C>T on transcript NM_000321.3 (MANE Select); coding-DNA position 1487, C replaced by T.
Protein change: p.Ala496Val; replaces alanine 496 with valine.
Molecular consequence: missense variant.
Genome position (GRCh38, 1-based): chr13:48,380,230, C>T. VCF-style: chr13-48380230-C-T. GRCh37 (hg19) VCF-style: chr13-48954366-C-T.
Other names: c.1487C>T, p.Ala496Val (NM_001407165.1, NM_001407166.1); short protein forms A496V.
Identifiers: ClinVar variation 3667496 (VCV003667496.3).